The following is an entry in ClinVar:

NM_001377265.1(MAPT):c.89_90delinsAA (p.Thr30Lys)

Gene: MAPT (microtubule associated protein tau). Cytogenetic location: 17q21.31.
Variant type: Indel.
Coding change: c.89_90delinsAA on transcript NM_001377265.1 (MANE Select); coding-DNA positions 89 to 90, the reference bases replaced by AA.
Protein change: p.Thr30Lys; replaces threonine 30 with lysine.
Molecular consequence: missense variant. On other transcripts: non-coding transcript variant (1).
Genome position: GRCh38 VCF-style: chr17-45962426-CC-AA. GRCh37 (hg19) VCF-style: chr17-44039792-CC-AA.
Other names: c.89_90delinsAA, p.Thr30Lys (NM_001123066.4, NM_001123067.4, NM_001203251.2 and 8 more transcripts); short protein forms T30K.
Identifiers: ClinVar variation 1717262 (VCV001717262.6), dbSNP rs2509443882, ClinGen allele CA2580094031.

ClinVar aggregate classification (germline): Uncertain significance (1 of 4 stars; one submission).

Conditions:
Frontotemporal dementia (FTD1). Also called: Frontotemporal Dementia with Parkinsonism-17 (FTDP-17); Frontotemporal lobe dementia (FLDEM); FRONTOTEMPORAL DEMENTIA WITH PARKINSONISM; FRONTOTEMPORAL LOBE DEMENTIA; MULTIPLE SYSTEM TAUOPATHY WITH PRESENILE DEMENTIA; WILHELMSEN-LYNCH DISEASE. Identifiers: Orphanet 282, MedGen C0338451, MONDO:0017276, OMIM 600274, HP:0002145.

Submission:

Labcorp Genetics (formerly Invitae), Labcorp
Classification: Uncertain significance for Frontotemporal dementia. Last evaluated: 2022-07-17. Review status: criteria provided, single submitter. Criteria: Invitae Variant Classification Sherloc (09022015). Collection method: clinical testing. Allele origin: germline.
Comment: In summary, the available evidence is currently insufficient to determine the role of this variant in disease. Therefore, it has been classified as a Variant of Uncertain Significance. Algorithms developed to predict the effect of missense changes on protein structure and function are either unavailable or do not agree on the potential impact of this missense change (SIFT: "Not Available"; PolyPhen-2: "Benign"; Align-GVGD: "Not Available"). This variant has not been reported in the literature in individuals affected with MAPT-related conditions. Information on the frequency of this variant in the gnomAD database is not available, as this variant may be reported differently in the database. This sequence change replaces threonine, which is neutral and polar, with lysine, which is basic and polar, at codon 30 of the MAPT protein (p.Thr30Lys).